The following is an entry in ClinVar:

NM_001281740.3(FHOD3):c.4749G>A (p.Pro1583=)

Gene: FHOD3 (formin homology 2 domain containing 3; plus strand). Cytogenetic location: 18q12.2.
Variant type: single nucleotide variant.
Coding change: c.4749G>A on transcript NM_001281740.3 (MANE Select); coding-DNA position 4749, G replaced by A.
Protein change: p.Pro1583=; no amino-acid change (proline 1583 retained).
Molecular consequence: synonymous variant.
Genome position (GRCh38, 1-based): chr18:36,769,389, G>A. VCF-style: chr18-36769389-G-A. GRCh37 (hg19) VCF-style: chr18-34349352-G-A.
Other names: c.4149G>A, p.Pro1383= (NM_001281739.3); c.4200G>A, p.Pro1400= (NM_025135.5).
Identifiers: ClinVar variation 4990516 (VCV004990516.1).

ClinVar aggregate classification (germline): Likely benign (1 of 4 stars; one submission).

Conditions:
FHOD3-related disorder. Also called: FHOD3-related condition.

gnomAD v4.1: 7 of 1,614,030 alleles (0.00043%); highest among the groups gnomAD compares: African/African-American, 0.0013%; no homozygotes.

Submission:

PreventionGenetics, part of Exact Sciences
Classification: Likely benign for FHOD3-related condition. Last evaluated: 2026-07-06. Review status: criteria provided, single submitter. Criteria: ACMG Guidelines, 2015. Collection method: clinical testing. Allele origin: germline.
Comment: This variant is classified as likely benign based on ACMG/AMP sequence variant interpretation guidelines (Richards et al. 2015 PMID: 25741868, with internal and published modifications).